The following is an entry in ClinVar:

ClinVar aggregate classification (germline): Uncertain significance (1 of 4 stars; one submission).

Conditions:
IFT172-related disorder. Also called: IFT172-related condition; IFT172-related disorders.

gnomAD v4.1: 2 of 1,614,018 alleles (0.00012%); highest among the groups gnomAD compares: Non-Finnish European, 0.000085%; no homozygotes.

Submission:

PreventionGenetics, part of Exact Sciences
Classification: Uncertain significance for IFT172-related condition. Last evaluated: 2025-05-29. Review status: criteria provided, single submitter. Criteria: ACMG Guidelines, 2015. Collection method: clinical testing. Allele origin: germline.
Comment: The IFT172 c.2086A>G variant is predicted to result in the amino acid substitution p.Lys696Glu. To our knowledge, this variant has not been reported in the literature or in a large population database (gnomAD), indicating this variant is rare. At this time, the clinical significance of this variant is uncertain due to the absence of conclusive functional and genetic evidence.

NM_015662.3(IFT172):c.2086A>G (p.Lys696Glu)

Gene: IFT172 (intraflagellar transport 172; minus strand). Cytogenetic location: 2p23.3.
Variant type: single nucleotide variant.
Coding change: c.2086A>G on transcript NM_015662.3 (MANE Select); coding-DNA position 2086, A replaced by G.
Protein change: p.Lys696Glu; replaces lysine 696 with glutamic acid.
Molecular consequence: missense variant.
Genome position (GRCh38, 1-based): chr2:27,462,730, T>C on the plus strand (A>G on the coding strand, the complement: IFT172 is on the minus strand). VCF-style: chr2-27462730-T-C. GRCh37 (hg19) VCF-style: chr2-27685597-T-C.
Other names: c.2020A>G, p.Lys674Glu (NM_001410739.1); short protein forms K674E, K696E.
Identifiers: ClinVar variation 4984500 (VCV004984500.1).